The following is an entry in ClinVar:

ClinVar aggregate classification (germline): Likely pathogenic. Review status: criteria provided, multiple submitters, no conflicts (2 of 4 stars). 2 submissions from 2 submitters: Likely pathogenic (2). Last evaluated 2025-07-22.

Conditions:
Cardiovascular phenotype. Identifiers: MedGen CN230736.
Autosomal recessive limb-girdle muscular dystrophy type 2J (LGMDR10). Also called: MUSCULAR DYSTROPHY, LIMB-GIRDLE, AUTOSOMAL RECESSIVE 10; Limb-girdle muscular dystrophy, type 2J. Identifiers: Orphanet 140922, MedGen C1837342, MONDO:0012127, OMIM 608807.
Dilated cardiomyopathy 1G (CMD1G). Identifiers: Orphanet 154, MedGen C1858763, MONDO:0011400, OMIM 604145.

Submissions (2):

Labcorp Genetics (formerly Invitae), Labcorp
Classification: Likely pathogenic for Dilated cardiomyopathy 1G; Autosomal recessive limb-girdle muscular dystrophy type 2J. Last evaluated: 2025-07-22. Review status: criteria provided, single submitter. Criteria: Invitae Variant Classification Sherloc (09022015). Collection method: clinical testing. Allele origin: germline.
Comment: This sequence change creates a premature translational stop signal (p.Phe29129Profs*10) in the TTN gene. While this is not anticipated to result in nonsense mediated decay, it is expected to create a truncated TTN protein. This variant is not present in population databases (gnomAD no frequency). This premature translational stop signal has been observed in individual(s) with dilated cardiomyopathy (internal data). ClinVar contains an entry for this variant (Variation ID: 848387). This variant is located in the A band of TTN (PMID: 25589632). Truncating variants in this region are significantly overrepresented in patients affected with dilated cardiomyopathy (PMID: 25589632). Truncating variants in this region have also been reported in individuals affected with autosomal recessive centronuclear myopathy (PMID: 23975875). In summary, the currently available evidence indicates that the variant is pathogenic, but additional data are needed to prove that conclusively. Therefore, this variant has been classified as Likely Pathogenic.

Ambry Genetics
Classification: Likely pathogenic for Cardiovascular phenotype. Last evaluated: 2025-04-09. Review status: criteria provided, single submitter. Criteria: Ambry Variant Classification Scheme 2023. Collection method: clinical testing. Allele origin: germline.
Comment: The c.60181_60188dupACCAAAGC variant, located in coding exon 155 of the TTN gene, results from a duplication of ACCAAAGC at nucleotide position 60181, causing a translational frameshift with a predicted alternate stop codon (p.F20064Pfs*10). This exon is located in the A-band region of the N2-B isoform of the titin protein and is constitutively expressed in TTN transcripts (percent spliced in or PSI 100%). This variant is expected to result in loss of function by premature protein truncation or nonsense-mediated mRNA decay. While truncating variants in TTN are present in 1-3% of the general population, truncating variants in the A-band are the most common cause of dilated cardiomyopathy (Herman DS et al. N. Engl. J. Med., 2012 Feb;366:619-28; Roberts AM et al. Sci Transl Med, 2015 Jan;7:270ra6). TTN truncating variants encoded in constitutive exons (PSI >90%) have been found to be significantly associated with DCM regardless of their position in titin (Schafer S et al. Nat. Genet., 2017 01;49:46-53; Akhtar MM et al. Circ Heart Fail, 2020 Oct;13:e006832; Massier M et al. Clin Genet, 2025 Jan). This variant is considered to be rare based on population cohorts in the Genome Aggregation Database (gnomAD). Based on the majority of available evidence to date, this variant is likely to be pathogenic.

Literature cited by the submitters: PubMed 25589632 (cited by Labcorp Genetics (formerly Invitae), Labcorp); PubMed 23975875 (cited by Labcorp Genetics (formerly Invitae), Labcorp).

NM_001267550.2(TTN):c.87376_87383dup (p.Phe29129fs)

Genes: TTN (titin; minus strand), TTN-AS1 (TTN antisense RNA 1; plus strand). Cytogenetic location: 2q31.2.
Variant type: Duplication.
Coding change: c.87376_87383dup on transcript NM_001267550.2 (MANE Select); coding-DNA positions 87376 to 87383, 8 bases duplicated (ACCAAAGC; older notation c.87376_87383dupACCAAAGC).
Protein change: p.Phe29129fs; shifts the reading frame from phenylalanine 29129.
Molecular consequence: frameshift variant.
Genome position (GRCh38, 1-based): chr2:178,557,971-178,557,978, GCTTTGGT duplicated on the plus strand (ACCAAAGC on the coding strand, the reverse complement: TTN is on the minus strand). VCF-style (leftmost placement, unchanged base first): chr2-178557970-A-AGCTTTGGT. GRCh37 (hg19) VCF-style: chr2-179422697-A-AGCTTTGGT.
Other names: c.82453_82460dup, p.Phe27488fs (NM_001256850.1); c.60181_60188dup, p.Phe20064fs (NM_003319.4); c.79672_79679dup, p.Phe26561fs (NM_133378.4); c.60556_60563dup, p.Phe20189fs (NM_133432.3); c.60757_60764dup, p.Phe20256fs (NM_133437.4); c.60181_60188dupACCAAAGC (NM_003319.4); short protein forms F20189fs, F27488fs, F29129fs, F20256fs, F26561fs, F20064fs.
Identifiers: ClinVar variation 848387 (VCV000848387.11), dbSNP rs1702151195, ClinGen allele CA430247380.
Genomic context (GRCh38, chr2:178,557,970, plus strand): 5'-ACTAATAACAACAGGGCCAGTTGGAGGACCAGGCCTGTCTAGCACAACAATGTTAATGAA[A>AGCTTTGGT]GCTTTGGTTGTACCACTGGAGTTGGCAGCAGTGATTTCATATCTCCCAGCGTCAGCTGTA-3'